The following is an entry in ClinVar:

NM_000368.5(TSC1):c.1030-2A>G

Gene: TSC1 (TSC complex subunit 1; minus strand). Cytogenetic location: 9q34.13.
Variant type: single nucleotide variant.
Coding change: c.1030-2A>G on transcript NM_000368.5 (MANE Select); the canonical splice acceptor site of the intron before coding-DNA position 1030, A replaced by G.
Molecular consequence: splice acceptor variant.
Genome position (GRCh38, 1-based): chr9:132,911,115, T>C on the plus strand (A>G on the coding strand, the complement: TSC1 is on the minus strand). VCF-style: chr9-132911115-T-C. GRCh37 (hg19) VCF-style: chr9-135786502-T-C.
Other names: c.79-2A>G (NM_001406628.1, NM_001406626.1, NM_001406627.1); c.1030-2A>G (NM_001406604.1, NM_001406608.1, NM_001162426.2 and 16 more transcripts); c.-21-2A>G (NM_001406630.1, NM_001406629.1); c.667-2A>G (NM_001406624.1, NM_001406616.1, NM_001406623.1 and 10 more transcripts); c.877-2A>G (NM_001406613.1, NM_001406612.1, NM_001406610.1 and 2 more transcripts).
Identifiers: ClinVar variation 1453234 (VCV001453234.6), dbSNP rs2131965369, ClinGen allele CA375367946.

ClinVar aggregate classification (germline): Pathogenic (1 of 4 stars; one submission).

Conditions:
Tuberous sclerosis 1 (TSC1). Identifiers: Orphanet 805, MedGen C1854465, MONDO:0008612, OMIM 191100.

Submission:

Labcorp Genetics (formerly Invitae), Labcorp
Classification: Pathogenic for Tuberous sclerosis 1. Last evaluated: 2022-07-19. Review status: criteria provided, single submitter. Criteria: Invitae Variant Classification Sherloc (09022015). Collection method: clinical testing. Allele origin: germline.
Comment: This variant is not present in population databases (gnomAD no frequency). For these reasons, this variant has been classified as Pathogenic. Algorithms developed to predict the effect of sequence changes on RNA splicing suggest that this variant may disrupt the consensus splice site. ClinVar contains an entry for this variant (Variation ID: 1453234). Disruption of this splice site has been observed in individuals with clinical features of tuberous sclerosis complex (PMID: 10533067, 29052576, 32005694). This sequence change affects an acceptor splice site in intron 10 of the TSC1 gene. It is expected to disrupt RNA splicing. Variants that disrupt the donor or acceptor splice site typically lead to a loss of protein function (PMID: 16199547), and loss-of-function variants in TSC1 are known to be pathogenic (PMID: 10227394, 17304050).

Literature cited by the submitters: PubMed 10533067; PubMed 29052576; PubMed 32005694; PubMed 16199547; PubMed 10227394; PubMed 17304050.